The following is an entry in ClinVar:

NR_033294.2(SNORD118):n.5T>C

Genes: SNORD118 (small nucleolar RNA, C/D box 118; minus strand), TMEM107 (transmembrane protein 107; minus strand). Cytogenetic location: 17p13.1.
Variant type: single nucleotide variant.
Molecular consequence: non-coding transcript variant (on NR_033294.2). On other transcripts: 3 prime UTR variant (5).
Genome position: GRCh38 VCF-style: chr17-8173584-A-G. GRCh37 (hg19) VCF-style: chr17-8076902-A-G.
Other names: c.*619T>C (NM_001351278.2, NM_001351279.2, NM_001351280.2 and 2 more transcripts).
Identifiers: ClinVar variation 1901663 (VCV001901663.6), dbSNP rs539989837, ClinGen allele CA8370841.

ClinVar aggregate classification (germline): Uncertain significance. Review status: criteria provided, multiple submitters, no conflicts (2 of 4 stars). 2 submissions from 2 submitters: Uncertain significance (2). Last evaluated 2025-05-05.

gnomAD v4.1: 42 of 764,300 alleles (0.0055%); highest among the groups gnomAD compares: African/African-American, 0.0085%; no homozygotes.

Submissions (2):

Labcorp Genetics (formerly Invitae), Labcorp
Classification: Uncertain significance. Last evaluated: 2025-05-05. Review status: criteria provided, single submitter. Criteria: Invitae Variant Classification Sherloc (09022015). Collection method: clinical testing. Allele origin: germline.
Comment: This variant occurs in a non-coding region of the SNORD118 gene. It does not change the encoded amino acid sequence of the SNORD118 protein. This variant is present in population databases (rs539989837, gnomAD 0.007%). This variant has not been reported in the literature in individuals affected with SNORD118-related conditions. ClinVar contains an entry for this variant (Variation ID: 1901663). Experimental studies and prediction algorithms are not available or were not evaluated, and the functional significance of this variant is currently unknown. In summary, the available evidence is currently insufficient to determine the role of this variant in disease. Therefore, it has been classified as a Variant of Uncertain Significance.

Blueprint Genetics
Classification: Uncertain significance. Last evaluated: 2022-03-29. Review status: criteria provided, single submitter. Criteria: ACMG Guidelines, 2015. Collection method: clinical testing. Allele origin: germline.